The following is an entry in ClinVar:

NM_002047.4(GARS1):c.1850C>A (p.Ser617Tyr)

Gene: GARS1 (glycyl-tRNA synthetase 1; plus strand). Cytogenetic location: 7p14.3.
Variant type: single nucleotide variant.
Coding change: c.1850C>A on transcript NM_002047.4 (MANE Select); coding-DNA position 1850, C replaced by A.
Protein change: p.Ser617Tyr; replaces serine 617 with tyrosine.
Molecular consequence: missense variant.
Genome position (GRCh38, 1-based): chr7:30,631,488, C>A. VCF-style: chr7-30631488-C-A. GRCh37 (hg19) VCF-style: chr7-30671104-C-A.
Other names: c.1688C>A, p.Ser563Tyr (NM_001316772.1); short protein forms S617Y, S563Y.
Identifiers: ClinVar variation 838149 (VCV000838149.1), dbSNP rs765235116, ClinGen allele CA156060394.

ClinVar aggregate classification (germline): Uncertain significance (1 of 4 stars; one submission).

Conditions:
Charcot-Marie-Tooth disease type 2. Also called: Charcot-Marie-Tooth type 2. Identifiers: Orphanet 64746, MedGen C0270914, MONDO:0018993.

Allele frequency attached by ClinVar (database versions not stated): TOPMed 0.00001.

Submission:

Labcorp Genetics (formerly Invitae), Labcorp
Classification: Uncertain significance for Charcot-Marie-Tooth disease type 2. Last evaluated: 2019-12-16. Review status: criteria provided, single submitter. Criteria: Invitae Variant Classification Sherloc (09022015). Collection method: clinical testing. Allele origin: germline.
Comment: This sequence change replaces serine with tyrosine at codon 617 of the GARS protein (p.Ser617Tyr). The serine residue is highly conserved and there is a large physicochemical difference between serine and tyrosine. This variant is not present in population databases (ExAC no frequency). This variant has not been reported in the literature in individuals with GARS-related conditions. Algorithms developed to predict the effect of missense changes on protein structure and function are either unavailable or do not agree on the potential impact of this missense change (SIFT: "Deleterious"; PolyPhen-2: "Probably Damaging"; Align-GVGD: "Class C0"). In summary, the available evidence is currently insufficient to determine the role of this variant in disease. Therefore, it has been classified as a Variant of Uncertain Significance.